The following is an entry in ClinVar:

ClinVar aggregate classification (germline): Uncertain significance (1 of 4 stars; one submission).

Conditions:
Epidermolysis bullosa simplex with nail dystrophy (EBS5D). Identifiers: MedGen C4225309, MONDO:0014661, OMIM 616487.
Epidermolysis bullosa simplex, Ogna type (EBS5A). Also called: Pidermolysis bullosa simplex 5A, Ogna type; EPIDERMOLYSIS BULLOSA SIMPLEX 5A, OGNA TYPE. Identifiers: Orphanet 79401, MedGen C0432317, MONDO:0007555, OMIM 131950.
Autosomal recessive limb-girdle muscular dystrophy type 2Q (LGMDR17). Also called: MUSCULAR DYSTROPHY, LIMB-GIRDLE, AUTOSOMAL RECESSIVE 17. Identifiers: Orphanet 254361, MedGen C3150989, MONDO:0013390, OMIM 613723.
Epidermolysis bullosa simplex 5B, with muscular dystrophy (EBS5B). Also called: EPIDERMOLYSIS BULLOSA SIMPLEX AND LIMB-GIRDLE MUSCULAR DYSTROPHY; Epidermolysis bullosa simplex with muscular dystrophy. Identifiers: Orphanet 257, MedGen C2931072, MONDO:0009181, OMIM 226670.
Epidermolysis bullosa simplex 5C, with pyloric atresia (EBS5C). Also called: PLEC-Related Epidermolysis Bullosa with Pyloric Atresia; Epidermolysis bullosa simplex with pyloric atresia; PLEC1-Related Epidermolysis Bullosa with Pyloric Atresia. Identifiers: Orphanet 158684, MedGen C2677349, MONDO:0012807, OMIM 612138.

Submission:

Labcorp Genetics (formerly Invitae), Labcorp
Classification: Uncertain significance for Autosomal recessive limb-girdle muscular dystrophy type 2Q; Epidermolysis bullosa simplex, Ogna type; Epidermolysis bullosa simplex with nail dystrophy; Epidermolysis bullosa simplex 5C, with pyloric atresia; Epidermolysis bullosa simplex 5B, with muscular dystrophy. Last evaluated: 2023-05-28. Review status: criteria provided, single submitter. Criteria: Invitae Variant Classification Sherloc (09022015). Collection method: clinical testing. Allele origin: germline.
Comment: In summary, the available evidence is currently insufficient to determine the role of this variant in disease. Therefore, it has been classified as a Variant of Uncertain Significance. Advanced modeling of protein sequence and biophysical properties (such as structural, functional, and spatial information, amino acid conservation, physicochemical variation, residue mobility, and thermodynamic stability) performed at Invitae indicates that this missense variant is not expected to disrupt PLEC protein function. This variant has not been reported in the literature in individuals affected with PLEC-related conditions. This variant is not present in population databases (gnomAD no frequency). This sequence change replaces glutamic acid, which is acidic and polar, with glycine, which is neutral and non-polar, at codon 4483 of the PLEC protein (p.Glu4483Gly).

NM_201384.3(PLEC):c.13367A>G (p.Glu4456Gly)

Gene: PLEC (plectin; minus strand). Cytogenetic location: 8q24.3.
Variant type: single nucleotide variant.
Coding change: c.13367A>G on transcript NM_201384.3 (MANE Select); coding-DNA position 13367, A replaced by G.
Protein change: p.Glu4456Gly; replaces glutamic acid 4456 with glycine.
Molecular consequence: missense variant.
Genome position (GRCh38, 1-based): chr8:143,916,454, T>C on the plus strand (A>G on the coding strand, the complement: PLEC is on the minus strand). VCF-style: chr8-143916454-T-C. GRCh37 (hg19) VCF-style: chr8-144990622-T-C.
Other names: c.13448A>G, p.Glu4483Gly (NM_000445.5); c.10067A>G, p.Glu3356Gly (NM_001410941.1); c.13325A>G, p.Glu4442Gly (NM_201378.4); c.13301A>G, p.Glu4434Gly (NM_201379.3); c.13778A>G, p.Glu4593Gly (NM_201380.4); c.13271A>G, p.Glu4424Gly (NM_201381.3); c.13367A>G, p.Glu4456Gly (NM_201382.4); c.13379A>G, p.Glu4460Gly (NM_201383.3); short protein forms E4434G, E4442G, E4483G, E4593G, E3356G, E4424G, E4456G, E4460G.
Identifiers: ClinVar variation 2948314 (VCV002948314.3), dbSNP rs2539142532, ClinGen allele CA372474741.
Genomic context (GRCh38, chr8:143,916,454, plus strand): 5'-CTGTAGTAGCCCTTGGTGGACTGCGCGGCAGCCTCCAGCAGCCGCAGCCCCGTGCCCTCC[T>C]CCACCATGCTGCGGTCCAGCGCGTCCTTATAGGAGATCTTGAGCTTGGTCTTAGGGCAGG-3'
Protein context (NP_958786.1, residues 4446-4466): YKDALDRSMV[Glu4456Gly]EGTGLRLLEA